The following is an entry in ClinVar:

NM_032043.3(BRIP1):c.82A>G (p.Met28Val)

Gene: BRIP1 (BRCA1 interacting DNA helicase 1; minus strand). Cytogenetic location: 17q23.2.
Variant type: single nucleotide variant.
Coding change: c.82A>G on transcript NM_032043.3 (MANE Select); coding-DNA position 82, A replaced by G.
Protein change: p.Met28Val; replaces methionine 28 with valine.
Molecular consequence: missense variant.
Genome position (GRCh38, 1-based): chr17:61,861,458, T>C on the plus strand (A>G on the coding strand, the complement: BRIP1 is on the minus strand). VCF-style: chr17-61861458-T-C. GRCh37 (hg19) VCF-style: chr17-59938819-T-C.
Other names: short protein forms M28V.
Identifiers: ClinVar variation 483162 (VCV000483162.23), dbSNP rs1330147176, ClinGen allele CA400485922.

ClinVar aggregate classification (germline): Uncertain significance. Review status: criteria provided, multiple submitters, no conflicts (2 of 4 stars). 4 submissions from 4 submitters: Uncertain significance (3). 1 of the submissions does not count toward it. Last evaluated 2025-10-11.

Conditions:
Fanconi anemia complementation group J. Also called: BRIP1-Related Fanconi Anemia. Identifiers: Orphanet 84, MedGen C1836860, MONDO:0012187, OMIM 609054.
Hereditary cancer-predisposing syndrome. Also called: Hereditary neoplastic syndrome; Neoplastic Syndromes, Hereditary; Tumor predisposition; Hereditary Cancer Syndrome. Identifiers: Orphanet 140162, MedGen C0027672, MeSH D009386, MONDO:0015356.
Familial cancer of breast. Also called: BREAST CANCER, FAMILIAL; Hereditary breast cancer; hereditary breast carcinoma. Identifiers: Orphanet 227535, MedGen C0346153, MONDO:0016419, OMIM 114480. Disease mechanism: loss of function.

Allele frequency attached by ClinVar (database versions not stated): TOPMed 0.00001.
gnomAD v4.1: 4 of 1,608,892 alleles (0.00025%); highest among the groups gnomAD compares: Admixed American, 0.0017%; no homozygotes.

Submissions (4):

Labcorp Genetics (formerly Invitae), Labcorp
Classification: Uncertain significance for Familial cancer of breast; Fanconi anemia complementation group J. Last evaluated: 2025-10-11. Review status: criteria provided, single submitter. Criteria: Invitae Variant Classification Sherloc (09022015). Collection method: clinical testing. Allele origin: germline.
Comment: This sequence change replaces methionine, which is neutral and non-polar, with valine, which is neutral and non-polar, at codon 28 of the BRIP1 protein (p.Met28Val). RNA analysis indicates that this missense change induces altered splicing and is likely to result in the loss of the initiator methionine. This variant is not present in population databases (gnomAD no frequency). This missense change has been observed in individual(s) with breast cancer (PMID: 31843900). ClinVar contains an entry for this variant (Variation ID: 483162). Invitae Evidence Modeling of protein sequence and biophysical properties (such as structural, functional, and spatial information, amino acid conservation, physicochemical variation, residue mobility, and thermodynamic stability) has been performed for this missense variant. However, the output from this modeling did not meet the statistical confidence thresholds required to predict the impact of this variant on BRIP1 protein function. Studies have shown that this missense change results in skipping of skipping of exon 2, and is expected to result in the loss of the initiator methionine (PMID: 31843900). In summary, the available evidence is currently insufficient to determine the role of this variant in disease. Therefore, it has been classified as a Variant of Uncertain Significance.

Ambry Genetics
Classification: Uncertain significance for Hereditary cancer-predisposing syndrome. Last evaluated: 2025-09-09. Review status: criteria provided, single submitter. Criteria: Ambry Variant Classification Scheme 2023. Collection method: clinical testing. Allele origin: germline.
Comment: The p.M28V variant (also known as c.82A>G), located in coding exon 1 of the BRIP1 gene, results from an A to G substitution at nucleotide position 82. The methionine at codon 28 is replaced by valine, an amino acid with highly similar properties. RNA studies have identified incomplete abnormal splicing associated with this variant (Casadei S et al. Proc Natl Acad Sci U S A, 2019 Dec; Ambry internal data). This amino acid position is well conserved in available vertebrate species. In addition, the in silico prediction for this alteration is inconclusive. Based on the available evidence, the clinical significance of this variant remains unclear.

Illumina Laboratory Services, Illumina
Classification: Uncertain significance for Fanconi anemia complementation group J. Last evaluated: 2018-01-13. Review status: criteria provided, single submitter. Criteria: ICSL Variant Classification Criteria 13 December 2019. Collection method: clinical testing. Allele origin: germline.

King Laboratory, University of Washington
Classification: Pathogenic for Familial cancer of breast. Last evaluated: 2019-09-01. Review status: no assertion criteria provided. Collection method: research. Allele origin: germline. Affected: yes. Not counted in ClinVar's aggregate classification.
Comment: Transcript analysis by cBROCA

Literature cited by the submitters: PubMed 31843900 (cited by 3 submitters).